The following is an entry in ClinVar:

ClinVar aggregate classification (germline): Uncertain significance. Review status: criteria provided, multiple submitters, no conflicts (2 of 4 stars). 2 submissions from 2 submitters: Uncertain significance (2). Last evaluated 2026-01-01.

Conditions:
Left ventricular noncompaction 1 (LVNC1). Also called: LEFT VENTRICULAR NONCOMPACTION 1 WITH OR WITHOUT CONGENITAL HEART DEFECTS. Identifiers: Orphanet 54260, MedGen C1858725, MONDO:0011403, OMIM 604169.

gnomAD v4.1: 1 of 1,613,884 alleles (0.000062%); highest among the groups gnomAD compares: African/African-American, 0.0013%; no homozygotes.

Submissions (2):

CeGaT Center for Human Genetics Tuebingen
Classification: Uncertain significance. Last evaluated: 2026-01-01. Review status: criteria provided, single submitter. Criteria: CeGaT Center For Human Genetics Tuebingen Variant Classification Criteria Version 2. Collection method: clinical testing. Allele origin: germline. Affected: yes. Observed: 1 variant allele.
Comment: DTNA: PM2

Labcorp Genetics (formerly Invitae), Labcorp
Classification: Uncertain significance for Left ventricular noncompaction 1. Last evaluated: 2025-09-26. Review status: criteria provided, single submitter. Criteria: Invitae Variant Classification Sherloc (09022015). Collection method: clinical testing. Allele origin: germline.
Comment: This sequence change affects a donor splice site in intron 3 of the DTNA gene. It is expected to disrupt RNA splicing. Variants that disrupt the donor or acceptor splice site typically lead to a loss of protein function (PMID: 16199547), however the current clinical and genetic evidence is not sufficient to establish whether loss-of-function variants in DTNA cause disease. This variant is not present in population databases (gnomAD no frequency). This variant has not been reported in the literature in individuals affected with DTNA-related conditions. Algorithms developed to predict the effect of sequence changes on RNA splicing suggest that this variant may disrupt the consensus splice site. In summary, the available evidence is currently insufficient to determine the role of this variant in disease. Therefore, it has been classified as a Variant of Uncertain Significance.

Literature cited by the submitters: PubMed 16199547 (cited by Labcorp Genetics (formerly Invitae), Labcorp).

NM_001386795.1(DTNA):c.362+1G>A

Gene: DTNA (dystrobrevin alpha; plus strand). Cytogenetic location: 18q12.1.
Variant type: single nucleotide variant.
Coding change: c.362+1G>A on transcript NM_001386795.1 (MANE Select); the canonical splice donor site of the intron after coding-DNA position 362, G replaced by A.
Molecular consequence: splice donor variant.
Genome position (GRCh38, 1-based): chr18:34,794,251, G>A. VCF-style: chr18-34794251-G-A. GRCh37 (hg19) VCF-style: chr18-32374215-G-A.
Other names: c.362+1G>A (NM_001198941.2, NM_001386774.1, NM_001386775.1 and 35 more transcripts).
Identifiers: ClinVar variation 4700819 (VCV004700819.5).